The following is an entry in ClinVar:

ClinVar aggregate classification (germline): Uncertain significance (1 of 4 stars; one submission).

Conditions:
Nephronophthisis. Also called: Juvenile Nephronophthisis. Identifiers: Orphanet 655, MedGen C0687120, MONDO:0019005, HP:0000090.

Allele frequency attached by ClinVar (database versions not stated): gnomAD 0.00001; TOPMed 0.00001; ESP Exome Variant Server 0.00008.
gnomAD v4.1: 97 of 1,613,942 alleles (0.006%); highest among the groups gnomAD compares: Non-Finnish European, 0.0081%; no homozygotes.

Submission:

Labcorp Genetics (formerly Invitae), Labcorp
Classification: Uncertain significance for Nephronophthisis. Last evaluated: 2022-01-14. Review status: criteria provided, single submitter. Criteria: Invitae Variant Classification Sherloc (09022015). Collection method: clinical testing. Allele origin: germline.
Comment: In summary, the available evidence is currently insufficient to determine the role of this variant in disease. Therefore, it has been classified as a Variant of Uncertain Significance. Algorithms developed to predict the effect of missense changes on protein structure and function (SIFT, PolyPhen-2, Align-GVGD) all suggest that this variant is likely to be disruptive. ClinVar contains an entry for this variant (Variation ID: 1038617). This variant has not been reported in the literature in individuals affected with NPHP3-related conditions. The frequency data for this variant in the population databases is considered unreliable, as metrics indicate poor data quality at this position in the gnomAD database. This sequence change replaces proline, which is neutral and non-polar, with leucine, which is neutral and non-polar, at codon 965 of the NPHP3 protein (p.Pro965Leu).

NM_153240.5(NPHP3):c.2894C>T (p.Pro965Leu)

Genes: NPHP3 (nephrocystin 3; minus strand), NPHP3-ACAD11 (NPHP3-ACAD11 readthrough (NMD candidate); minus strand). Cytogenetic location: 3q22.1.
Variant type: single nucleotide variant.
Coding change: c.2894C>T on transcript NM_153240.5 (MANE Select); coding-DNA position 2894, C replaced by T.
Protein change: p.Pro965Leu; replaces proline 965 with leucine.
Molecular consequence: missense variant. On other transcripts: non-coding transcript variant (1).
Genome position (GRCh38, 1-based): chr3:132,688,881, G>A on the plus strand (C>T on the coding strand, the complement: NPHP3 is on the minus strand). VCF-style: chr3-132688881-G-A. GRCh37 (hg19) VCF-style: chr3-132407725-G-A.
Other names: short protein forms P965L.
Identifiers: ClinVar variation 1038617 (VCV001038617.6), dbSNP rs368791854, ClinGen allele CA2621883.